The following is an entry in ClinVar:

ClinVar aggregate classification (germline): Conflicting classifications of pathogenicity. Review status: criteria provided, conflicting classifications (1 of 4 stars). 2 submissions from 2 submitters: Pathogenic (1); Uncertain significance (1). Last evaluated 2026-01-15.

Conditions:
Hypertrophic cardiomyopathy 20. Identifiers: MedGen C3151267, MONDO:0013477, OMIM 613876.
Dilated cardiomyopathy 1CC (CMD1CC). Identifiers: Orphanet 154, MedGen C2751084, MONDO:0013147, OMIM 613122.

Allele frequency attached by ClinVar (database versions not stated): TOPMed below 0.00001.

Submissions (2):

Labcorp Genetics (formerly Invitae), Labcorp
Classification: Pathogenic for Dilated cardiomyopathy 1CC; Hypertrophic cardiomyopathy 20. Last evaluated: 2026-01-15. Review status: criteria provided, single submitter. Criteria: Invitae Variant Classification Sherloc (09022015). Collection method: clinical testing. Allele origin: germline.
Comment: This sequence change creates a premature translational stop signal (p.Arg321Lysfs*17) in the NEXN gene. It is expected to result in an absent or disrupted protein product. Loss-of-function variants in NEXN are known to be pathogenic (PMID: 19881492, 32058062, 32814711, 32870709, 33949776, 38059363, 40680702). This variant is not present in population databases (gnomAD no frequency). This variant has not been reported in the literature in individuals affected with NEXN-related conditions. ClinVar contains an entry for this variant (Variation ID: 1017027). For these reasons, this variant has been classified as Pathogenic.

Fulgent Genetics
Classification: Uncertain significance for Dilated cardiomyopathy 1CC; Hypertrophic cardiomyopathy 20. Last evaluated: 2022-05-05. Review status: criteria provided, single submitter. Criteria: ACMG Guidelines, 2015. Collection method: clinical testing. Allele origin: unknown.

Literature cited by the submitters: PubMed 19881492 (cited by Labcorp Genetics (formerly Invitae), Labcorp); PubMed 32058062 (cited by Labcorp Genetics (formerly Invitae), Labcorp); PubMed 32814711 (cited by Labcorp Genetics (formerly Invitae), Labcorp); PubMed 32870709 (cited by Labcorp Genetics (formerly Invitae), Labcorp); PubMed 33949776 (cited by Labcorp Genetics (formerly Invitae), Labcorp); PubMed 38059363 (cited by Labcorp Genetics (formerly Invitae), Labcorp); PubMed 40680702 (cited by Labcorp Genetics (formerly Invitae), Labcorp).

NM_144573.4(NEXN):c.962del (p.Arg321fs)

Gene: NEXN (nexilin F-actin binding protein; plus strand). Cytogenetic location: 1p31.1.
Variant type: Deletion.
Coding change: c.962del on transcript NM_144573.4 (MANE Select); coding-DNA position 962, one base deleted (G; older notation c.962delG).
Protein change: p.Arg321fs; shifts the reading frame from arginine 321.
Molecular consequence: frameshift variant.
Genome position (GRCh38, 1-based): chr1:77,929,413, G deleted. VCF-style (leftmost placement, unchanged base first): chr1-77929412-AG-A. GRCh37 (hg19) VCF-style: chr1-78395097-AG-A.
Other names: c.770del, p.Arg257fs (NM_001172309.2); short protein forms R257fs, R321fs.
Identifiers: ClinVar variation 1017027 (VCV001017027.8), dbSNP rs915318065, ClinGen allele CA24681119.